The following is an entry in ClinVar:

ClinVar aggregate classification (germline): Uncertain significance (1 of 4 stars; one submission).

Conditions:
Fanconi anemia (FA). Also called: Fanconi's anemia. Identifiers: Orphanet 84, MedGen C0015625, MeSH D005199, MONDO:0019391.

Submission:

Labcorp Genetics (formerly Invitae), Labcorp
Classification: Uncertain significance for Fanconi anemia. Last evaluated: 2020-04-05. Review status: criteria provided, single submitter. Criteria: Invitae Variant Classification Sherloc (09022015). Collection method: clinical testing. Allele origin: germline.
Comment: In summary, the available evidence is currently insufficient to determine the role of this variant in disease. Therefore, it has been classified as a Variant of Uncertain Significance. Algorithms developed to predict the effect of sequence changes on RNA splicing suggest that this variant may create or strengthen a splice site, but this prediction has not been confirmed by published transcriptional studies. This variant has not been reported in the literature in individuals with SLX4-related conditions. This variant is not present in population databases (ExAC no frequency). This variant, c.4044_4045insCAGCGGAGA, results in the insertion of 3 amino acid(s) to the SLX4 protein (p.Pro1348_Gly1349insGlnArgArg), but otherwise preserves the integrity of the reading frame.

NM_032444.4(SLX4):c.4044_4045insCAGCGGAGA (p.Pro1348_Gly1349insGlnArgArg)

Gene: SLX4 (SLX4 structure-specific endonuclease subunit; minus strand). Cytogenetic location: 16p13.3.
Variant type: Insertion.
Coding change: c.4044_4045insCAGCGGAGA on transcript NM_032444.4 (MANE Select); coding-DNA positions 4044 to 4045, CAGCGGAGA inserted.
Protein change: p.Pro1348_Gly1349insGlnArgArg.
Molecular consequence: inframe insertion.
Genome position: GRCh38 VCF-style: chr16-3589593-C-CTCTCCGCTG. GRCh37 (hg19) VCF-style: chr16-3639594-C-CTCTCCGCTG.
Identifiers: ClinVar variation 1058903 (VCV001058903.9), dbSNP rs2151122205, ClinGen allele CA2499223515.